The following is an entry in ClinVar:

NM_005918.4(MDH2):c.187G>A (p.Gly63Arg)

Gene: MDH2 (malate dehydrogenase 2; plus strand). Cytogenetic location: 7q11.23.
Variant type: single nucleotide variant.
Coding change: c.187G>A on transcript NM_005918.4 (MANE Select); coding-DNA position 187, G replaced by A.
Protein change: p.Gly63Arg; replaces glycine 63 with arginine.
Molecular consequence: missense variant. On other transcripts: intron variant (1).
Genome position (GRCh38, 1-based): chr7:76,054,950, G>A. VCF-style: chr7-76054950-G-A. GRCh37 (hg19) VCF-style: chr7-75684268-G-A.
Other names: c.187G>A, p.Gly63Arg (NM_001282403.2); c.-86-2460G>A (NM_001282404.2); short protein forms G63R.
Identifiers: ClinVar variation 1781861 (VCV001781861.11), dbSNP rs1797725670, ClinGen allele CA367762582.

ClinVar aggregate classification (germline): Conflicting classifications of pathogenicity. Review status: criteria provided, conflicting classifications (1 of 4 stars). 3 submissions from 3 submitters: Likely pathogenic (1); Uncertain significance (2). Last evaluated 2025-07-01.

Conditions:
Inborn genetic diseases. Identifiers: MedGen C0950123, MeSH D030342.
Developmental and epileptic encephalopathy, 51 (DEE51). Also called: Epileptic encephalopathy, early infantile, 51. Identifiers: MedGen C4479208, MONDO:0015025, OMIM 617339.

Allele frequency attached by ClinVar (database versions not stated): gnomAD exomes below 0.00001; gnomAD 0.00001; TOPMed 0.00001.
gnomAD v4.1: 7 of 1,613,902 alleles (0.00043%); highest among the groups gnomAD compares: Non-Finnish European, 0.00051%; no homozygotes.

Submissions (3):

CeGaT Center for Human Genetics Tuebingen
Classification: Uncertain significance. Last evaluated: 2025-07-01. Review status: criteria provided, single submitter. Criteria: CeGaT Center For Human Genetics Tuebingen Variant Classification Criteria Version 2. Collection method: clinical testing. Allele origin: germline. Affected: yes. Observed: 1 variant allele.
Comment: MDH2: PP3

Institute of Human Genetics, Cologne University
Classification: Likely pathogenic for Developmental and epileptic encephalopathy, 51. Last evaluated: 2024-06-26. Review status: criteria provided, single submitter. Criteria: ACMG Guidelines, 2015. Collection method: clinical testing. Allele origin: germline. Affected: yes.

Ambry Genetics
Classification: Uncertain significance for Inborn genetic diseases. Last evaluated: 2024-02-20. Review status: criteria provided, single submitter. Criteria: Ambry Variant Classification Scheme 2023. Collection method: clinical testing. Allele origin: germline.
Comment: The p.G63R variant (also known as c.187G>A), located in coding exon 2 of the MDH2 gene, results from a G to A substitution at nucleotide position 187. The glycine at codon 63 is replaced by arginine, an amino acid with dissimilar properties. This amino acid position is conserved. In addition, this alteration is predicted to be deleterious by in silico analysis. Since supporting evidence is limited at this time, the clinical significance of this alteration remains unclear.